The following is an entry in ClinVar:

NM_021098.3(CACNA1H):c.354C>T (p.Gly118=)

Gene: CACNA1H (calcium voltage-gated channel subunit alpha1 H; plus strand). Cytogenetic location: 16p13.3.
Variant type: single nucleotide variant.
Coding change: c.354C>T on transcript NM_021098.3 (MANE Select); coding-DNA position 354, C replaced by T.
Protein change: p.Gly118=; no amino-acid change (glycine 118 retained).
Molecular consequence: synonymous variant.
Genome position (GRCh38, 1-based): chr16:1,195,026, C>T. VCF-style: chr16-1195026-C-T. GRCh37 (hg19) VCF-style: chr16-1245026-C-T.
Other names: c.354C>T, p.Gly118= (NM_001005407.2); c.354C>T (NM_021098.2).
Identifiers: ClinVar variation 1011606 (VCV001011606.9), dbSNP rs1342020189, ClinGen allele CA492886328.
Genomic context (GRCh38, chr16:1,195,026, plus strand): 5'-CGACACATGGTTCGAGCACGTGAGCATGCTGGTAATCATGCTCAACTGCGTGACCCTGGG[C>T]ATGTTCCGGCCCTGTGAGGACGTTGAGTGCGGCTCCGAGCGCTGCAACATCCTGGAGGTG-3'
Protein context (NP_066921.2, residues 108-128): LVIMLNCVTL[Gly118=]MFRPCEDVEC

ClinVar aggregate classification (germline): Likely benign. Review status: criteria provided, single submitter (1 of 4 stars). 2 submissions from 2 submitters: Likely benign (1). 1 of the submissions does not count toward it. Last evaluated 2025-07-30.

Conditions:
CACNA1H-related disorder.
Hyperaldosteronism, familial, type IV (HALD4). Also called: FH IV; ALDOSTERONISM, PRIMARY, AND HYPERTENSION. Identifiers: Orphanet 642671, MedGen C4310756, MONDO:0014875, OMIM 617027.
Idiopathic generalized epilepsy. Also called: Generalised epilepsy; EIG. Identifiers: MedGen C0270850, MONDO:0005579, OMIM 600669.

Allele frequency attached by ClinVar (database versions not stated): TOPMed below 0.00001.
gnomAD v4.1: 2 of 1,612,022 alleles (0.00012%); highest among the groups gnomAD compares: Non-Finnish European, 0.000085%; no homozygotes.

Submissions (2):

Labcorp Genetics (formerly Invitae), Labcorp
Classification: Likely benign for Idiopathic generalized epilepsy; Hyperaldosteronism, familial, type IV. Last evaluated: 2025-07-30. Review status: criteria provided, single submitter. Criteria: Invitae Variant Classification Sherloc (09022015). Collection method: clinical testing. Allele origin: germline.

PreventionGenetics, part of Exact Sciences
Classification: Likely benign for CACNA1H-related condition. Last evaluated: 2024-06-19. Review status: no assertion criteria provided. Collection method: clinical testing. Allele origin: germline. Not counted in ClinVar's aggregate classification.
Comment: This variant is classified as likely benign based on ACMG/AMP sequence variant interpretation guidelines (Richards et al. 2015 PMID: 25741868, with internal and published modifications).